The following is an entry in ClinVar:

NM_001367624.2(ZNF469):c.2667G>A (p.Ala889=)

Gene: ZNF469 (zinc finger protein 469; plus strand). Cytogenetic location: 16q24.2.
Variant type: single nucleotide variant.
Coding change: c.2667G>A on transcript NM_001367624.2 (MANE Select); coding-DNA position 2667, G replaced by A.
Protein change: p.Ala889=; no amino-acid change (alanine 889 retained).
Molecular consequence: synonymous variant.
Genome position (GRCh38, 1-based): chr16:88,430,137, G>A. VCF-style: chr16-88430137-G-A. GRCh37 (hg19) VCF-style: chr16-88496545-G-A.
Other names: NM_001127464.1:c.2667G>A.
Identifiers: ClinVar variation 1335226 (VCV001335226.40), dbSNP rs1037581980, ClinGen allele CA286373927.
Genomic context (GRCh38, chr16:88,430,137, plus strand): 5'-GGACGAGGAGCCTTCCGGCCCCAGAGGTCCCAGCTCCGGACACCCCCTTAAGAGCAAGGC[G>A]GGGGTGACTCCAGAGAGCAAAGCTCCGCCCCCGCTCCCAGCAGCCACGCCGGACCCCCAA-3'
Protein context (NP_001354553.1, residues 879-899): PSSGHPLKSK[Ala889=]GVTPESKAPP

ClinVar aggregate classification (germline): Likely benign. Review status: criteria provided, multiple submitters, no conflicts (2 of 4 stars). 3 submissions from 3 submitters: Likely benign (3). Last evaluated 2026-02-01.

Conditions:
Cardiovascular phenotype. Identifiers: MedGen CN230736.

Allele frequency attached by ClinVar (database versions not stated): gnomAD 0.00001; gnomAD exomes 0.00001 and 0.00002; TOPMed 0.00002.
gnomAD v4.1: 19 of 1,550,010 alleles (0.0012%); highest among the groups gnomAD compares: Middle Eastern, 0.017%; no homozygotes.

Submissions (3):

CeGaT Center for Human Genetics Tuebingen
Classification: Likely benign. Last evaluated: 2026-02-01. Review status: criteria provided, single submitter. Criteria: CeGaT Center For Human Genetics Tuebingen Variant Classification Criteria Version 2. Collection method: clinical testing. Allele origin: germline. Affected: yes. Observed: 2 variant alleles.
Comment: ZNF469: BP4, BP7

Labcorp Genetics (formerly Invitae), Labcorp
Classification: Likely benign. Last evaluated: 2025-11-05. Review status: criteria provided, single submitter. Criteria: Invitae Variant Classification Sherloc (09022015). Collection method: clinical testing. Allele origin: germline.

Ambry Genetics
Classification: Likely benign for Cardiovascular phenotype. Last evaluated: 2023-03-29. Review status: criteria provided, single submitter. Criteria: Ambry Variant Classification Scheme 2023. Collection method: clinical testing. Allele origin: germline.